The following is an entry in ClinVar:

NM_000088.4(COL1A1):c.3313A>G (p.Arg1105Gly)

Gene: COL1A1 (collagen type I alpha 1 chain; minus strand). Cytogenetic location: 17q21.33.
Variant type: single nucleotide variant.
Coding change: c.3313A>G on transcript NM_000088.4 (MANE Select); coding-DNA position 3313, A replaced by G.
Protein change: p.Arg1105Gly; replaces arginine 1105 with glycine.
Molecular consequence: missense variant.
Genome position (GRCh38, 1-based): chr17:50,187,932, T>C on the plus strand (A>G on the coding strand, the complement: COL1A1 is on the minus strand). VCF-style: chr17-50187932-T-C. GRCh37 (hg19) VCF-style: chr17-48265293-T-C.
Other names: short protein forms R1105G.
Identifiers: ClinVar variation 451990 (VCV000451990.9), dbSNP rs1555572101, ClinGen allele CA400199752.

ClinVar aggregate classification (germline): Uncertain significance. Review status: criteria provided, multiple submitters, no conflicts (2 of 4 stars). 2 submissions from 2 submitters: Uncertain significance (2). Last evaluated 2026-07-29.

Conditions:
Osteogenesis imperfecta type I (OI1). Also called: OI, TYPE I; OSTEOGENESIS IMPERFECTA TARDA; OSTEOGENESIS IMPERFECTA WITH BLUE SCLERAE; Lobstein disease; Osteogenesis imperfecta type 1; Classic Non-deforming Osteogenesis Imperfecta with Blue Sclerae. Identifiers: Orphanet 216796, Orphanet 666, MedGen C0023931, MONDO:0008146, OMIM 166200. Disease mechanism: loss of function.

Submissions (2):

GeneDx
Classification: Uncertain significance. Last evaluated: 2026-07-29. Review status: criteria provided, single submitter. Criteria: GeneDx Variant Classification Process June 2021. Collection method: clinical testing. Allele origin: germline.
Comment: Occurs in the triple helical domain at the Y position in the canonical Gly-X-Y repeat; although this variant may have an effect on normal protein folding and function, missense substitution at the Y position is not a common mechanism of disease (HGMD); In silico analysis supports that this missense variant has a deleterious effect on protein structure/function; Not observed at significant frequency in large population cohorts (gnomAD); Has not been previously published as pathogenic or benign to our knowledge

Labcorp Genetics (formerly Invitae), Labcorp
Classification: Uncertain significance for Osteogenesis imperfecta type I. Last evaluated: 2022-07-13. Review status: criteria provided, single submitter. Criteria: Invitae Variant Classification Sherloc (09022015). Collection method: clinical testing. Allele origin: germline.
Comment: In summary, the available evidence is currently insufficient to determine the role of this variant in disease. Therefore, it has been classified as a Variant of Uncertain Significance. Advanced modeling of protein sequence and biophysical properties (such as structural, functional, and spatial information, amino acid conservation, physicochemical variation, residue mobility, and thermodynamic stability) performed at Invitae indicates that this missense variant is expected to disrupt COL1A1 protein function. ClinVar contains an entry for this variant (Variation ID: 451990). This variant has not been reported in the literature in individuals affected with COL1A1-related conditions. This variant is not present in population databases (gnomAD no frequency). This sequence change replaces arginine, which is basic and polar, with glycine, which is neutral and non-polar, at codon 1105 of the COL1A1 protein (p.Arg1105Gly).